The following is an entry in ClinVar:

NM_001081.4(CUBN):c.10033-1G>A

Gene: CUBN (cubilin; minus strand). Cytogenetic location: 10p13.
Variant type: single nucleotide variant.
Coding change: c.10033-1G>A on transcript NM_001081.4 (MANE Select); the canonical splice acceptor site of the intron before coding-DNA position 10033, G replaced by A.
Molecular consequence: splice acceptor variant.
Genome position (GRCh38, 1-based): chr10:16,836,383, C>T on the plus strand (G>A on the coding strand, the complement: CUBN is on the minus strand). VCF-style: chr10-16836383-C-T. GRCh37 (hg19) VCF-style: chr10-16878382-C-T.
Other names: c.10033-1G>A (NM_001081.3).
Identifiers: ClinVar variation 2155667 (VCV002155667.5), dbSNP rs765616473, ClinGen allele CA5422496.
Genomic context (GRCh38, chr10:16,836,383, plus strand): 5'-AAACACTGGCACAGCCGAAGCATTTCTGCCACAGAACTGAAATCTTGAATTTCCGTGACC[C>T]TGAAATGAAATGGGAGCCAAATCATGTTAGATTTAGTCTTAGAAGAGAACAGGCCATAAC-3'

ClinVar aggregate classification (germline): Likely pathogenic. Review status: criteria provided, multiple submitters, no conflicts (2 of 4 stars). 2 submissions from 2 submitters: Likely pathogenic (2). Last evaluated 2023-09-11.

Conditions:
CUBN-related disorder. Also called: CUBN-related condition.
Imerslund-Grasbeck syndrome. Also called: PERNICIOUS ANEMIA, JUVENILE, DUE TO SELECTIVE INTESTINAL MALABSORPTION OF VITAMIN B12, WITH PROTEINURIA; Megaloblastic anemia due to inborn errors of metabolism; ENTEROCYTE COBALAMIN MALABSORPTION; ENTEROCYTE INTRINSIC FACTOR RECEPTOR, DEFECT OF; Imerslund-Gräsbeck syndrome. Identifiers: Orphanet 35858, MedGen C4551825, MONDO:0009853.

Allele frequency attached by ClinVar (database versions not stated): gnomAD 0.00001; ExAC 0.00002; TOPMed 0.00002; gnomAD exomes 0.00003.
gnomAD v4.1: 38 of 1,613,796 alleles (0.0024%); highest among the groups gnomAD compares: Non-Finnish European, 0.0031%; no homozygotes.

Submissions (2):

PreventionGenetics, part of Exact Sciences
Classification: Likely pathogenic for CUBN-related condition. Last evaluated: 2023-09-11. Review status: criteria provided, single submitter. Criteria: ACMG Guidelines, 2015. Collection method: clinical testing. Allele origin: germline.
Comment: The CUBN c.10033-1G>A variant is predicted to disrupt the AG splice acceptor site and interfere with normal splicing. To our knowledge, this variant has not been reported in the literature. This variant is reported in 0.0053% of alleles in individuals of European (Non-Finnish) descent in gnomAD. Variants that disrupt the consensus splice acceptor site in CUBN are expected to be pathogenic. This variant is interpreted as likely pathogenic.

Labcorp Genetics (formerly Invitae), Labcorp
Classification: Likely pathogenic for Imerslund-Grasbeck syndrome. Last evaluated: 2022-08-19. Review status: criteria provided, single submitter. Criteria: Invitae Variant Classification Sherloc (09022015). Collection method: clinical testing. Allele origin: germline.
Comment: This variant has not been reported in the literature in individuals affected with CUBN-related conditions. This variant is present in population databases (rs765616473, gnomAD 0.005%). This sequence change affects an acceptor splice site in intron 62 of the CUBN gene. It is expected to disrupt RNA splicing. Variants that disrupt the donor or acceptor splice site typically lead to a loss of protein function (PMID: 16199547), and loss-of-function variants in CUBN are known to be pathogenic (PMID: 15024727, 22929189). In summary, the currently available evidence indicates that the variant is pathogenic, but additional data are needed to prove that conclusively. Therefore, this variant has been classified as Likely Pathogenic. Algorithms developed to predict the effect of sequence changes on RNA splicing suggest that this variant may disrupt the consensus splice site.

Literature cited by the submitters: PubMed 16199547 (cited by Labcorp Genetics (formerly Invitae), Labcorp); PubMed 15024727 (cited by Labcorp Genetics (formerly Invitae), Labcorp); PubMed 22929189 (cited by Labcorp Genetics (formerly Invitae), Labcorp).